The following is an entry in ClinVar:

NC_012920.1(MT-ATP6):m.8657C>T

Gene: MT-ATP6 (mitochondrially encoded ATP synthase 6; plus strand).
Variant type: single nucleotide variant.
Genome position: chrM-8657-C-T.
Identifiers: ClinVar variation 692944 (VCV000692944.1), dbSNP rs1603221675, ClinGen allele CA414797229.

ClinVar aggregate classification (germline): Likely benign (1 of 4 stars; one submission).

Conditions:
Leigh syndrome (NULS). Also called: Leigh's necrotizing encephalopathy; Leigh's disease; Leigh Syndrome (mtDNA deletion); Leigh Disease; Subacute necrotizing encephalopathy; Necrotizing encephalopathy infantile subacute of Leigh. Identifiers: Orphanet 506, MedGen C2931891, MONDO:0009723, OMIM 256000.

Submission:

Wong Mito Lab, Molecular and Human Genetics, Baylor College of Medicine
Classification: Likely benign for Leigh syndrome. Last evaluated: 2019-10-17. Review status: criteria provided, single submitter. Criteria: Modified ACMG Guidelines (Unpublished). Collection method: clinical testing. Allele origin: germline.
Comment: The NC_012920.1:m.8657C>T (YP_003024031.1:p.Thr44Ile) variant in MTATP6 gene is interpretated to be a Likely Benign variant based on the modified ACMG guidelines (unpublished). This variant meets the following evidence codes: BS4, BP4